The following is an entry in ClinVar:

ClinVar aggregate classification (germline): Uncertain significance (1 of 4 stars; one submission).

gnomAD v4.1: 2 of 1,612,206 alleles (0.00012%); highest among the groups gnomAD compares: South Asian, 0.0011%; no homozygotes.

Submission:

GeneDx
Classification: Uncertain significance. Last evaluated: 2024-11-11. Review status: criteria provided, single submitter. Criteria: GeneDx Variant Classification Process June 2021. Collection method: clinical testing. Allele origin: germline. Affected: yes.
Comment: Nonsense variant predicted to result in protein truncation or nonsense mediated decay in a gene for which loss of function is a known mechanism of disease; Has not been previously published as pathogenic or benign to our knowledge

NM_001378452.1(ITPR1):c.6643C>T (p.Gln2215Ter)

Gene: ITPR1 (inositol 1,4,5-trisphosphate receptor type 1; plus strand). Cytogenetic location: 3p26.1.
Variant type: single nucleotide variant.
Coding change: c.6643C>T on transcript NM_001378452.1 (MANE Select); coding-DNA position 6643, C replaced by T.
Protein change: p.Gln2215Ter; replaces glutamine 2215 with a stop codon.
Molecular consequence: nonsense.
Genome position (GRCh38, 1-based): chr3:4,787,974, C>T. VCF-style: chr3-4787974-C-T. GRCh37 (hg19) VCF-style: chr3-4829658-C-T.
Other names: c.6499C>T, p.Gln2167Ter (NM_001099952.4); c.6598C>T, p.Gln2200Ter (NM_001168272.2); c.6454C>T, p.Gln2152Ter (NM_002222.7); short protein forms Q2152*, Q2167*, Q2200*, Q2215*.
Identifiers: ClinVar variation 3899143 (VCV003899143.1).